The following is an entry in ClinVar:

NM_001457.4(FLNB):c.3857C>T (p.Ala1286Val)

Gene: FLNB (filamin B; plus strand). Cytogenetic location: 3p14.3.
Variant type: single nucleotide variant.
Coding change: c.3857C>T on transcript NM_001457.4 (MANE Select); coding-DNA position 3857, C replaced by T.
Protein change: p.Ala1286Val; replaces alanine 1286 with valine.
Molecular consequence: missense variant.
Genome position (GRCh38, 1-based): chr3:58,124,464, C>T. VCF-style: chr3-58124464-C-T. GRCh37 (hg19) VCF-style: chr3-58110191-C-T.
Other names: c.3857C>T, p.Ala1286Val (NM_001164317.2, NM_001164318.2, NM_001164319.2); short protein forms A1286V.
Identifiers: ClinVar variation 258108 (VCV000258108.19), dbSNP rs62621997, ClinGen allele CA2468558.

ClinVar aggregate classification (germline): Benign. Review status: criteria provided, multiple submitters, no conflicts (2 of 4 stars). 6 submissions from 6 submitters: Benign (6). Last evaluated 2026-02-02.

Conditions:
FLNB-Related Spectrum Disorders.
Connective tissue disorder. Also called: Connective tissue disease. Identifiers: MedGen C0009782, MONDO:0003900.

Allele frequency attached by ClinVar (database versions not stated): 1000 Genomes Project 30x 0.03451; gnomAD 0.02752 and 0.02930; ESP Exome Variant Server 0.03260; ExAC 0.00906; TOPMed 0.03157; 1000 Genomes Project 0.03175.
gnomAD v4.1: 8,455 of 1,614,142 alleles (0.52%); highest among the groups gnomAD compares: African/African-American, 9.9%; 406 homozygotes.

Submissions (6):

Labcorp Genetics (formerly Invitae), Labcorp
Classification: Benign. Last evaluated: 2026-02-02. Review status: criteria provided, single submitter. Criteria: Invitae Variant Classification Sherloc (09022015). Collection method: clinical testing. Allele origin: germline.

Genome Diagnostics Laboratory, The Hospital for Sick Children
Classification: Benign for Connective tissue disorder. Last evaluated: 2019-06-01. Review status: criteria provided, single submitter. Criteria: ACMG Guidelines, 2015. Collection method: clinical testing. Allele origin: germline.

Illumina Laboratory Services, Illumina
Classification: Benign for FLNB-Related Spectrum Disorders. Last evaluated: 2018-01-13. Review status: criteria provided, single submitter. Criteria: ICSL Variant Classification Criteria 13 December 2019. Collection method: clinical testing. Allele origin: germline.
Comment: This variant was observed in the ICSL laboratory as part of a predisposition screen in an ostensibly healthy population. It had not been previously curated by ICSL or reported in the Human Gene Mutation Database (HGMD: prior to June 1st, 2018), and was therefore a candidate for classification through an automated scoring system. Utilizing variant allele frequency, disease prevalence and penetrance estimates, and inheritance mode, an automated score was calculated to assess if this variant is too frequent to cause the disease. Based on the score and internal cut-off values, a variant classified as benign is not then subjected to further curation. The score for this variant resulted in a classification of benign for this disease.

GeneDx
Classification: Benign. Last evaluated: 2016-05-27. Review status: criteria provided, single submitter. Criteria: GeneDx Variant Classification (06012015). Collection method: clinical testing. Allele origin: germline. Affected: yes.
Comment: This variant is considered likely benign or benign based on one or more of the following criteria: it is a conservative change, it occurs at a poorly conserved position in the protein, it is predicted to be benign by multiple in silico algorithms, and/or has population frequency not consistent with disease.

Breakthrough Genomics
Classification: Benign. Review status: criteria provided, single submitter. Criteria: ACMG Guidelines, 2015. Collection method: not provided. Allele origin: germline. Inheritance: Autosomal recessive inheritance. Affected: yes.

PreventionGenetics, part of Exact Sciences
Classification: Benign. Review status: criteria provided, single submitter. Criteria: ACMG Guidelines, 2015. Collection method: clinical testing. Allele origin: germline.